The following is an entry in ClinVar:

ClinVar aggregate classification (germline): Uncertain significance (1 of 4 stars; one submission).

Conditions:
Charcot-Marie-Tooth disease type 2. Also called: Charcot-Marie-Tooth type 2. Identifiers: Orphanet 64746, MedGen C0270914, MONDO:0018993.

Allele frequency attached by ClinVar (database versions not stated): gnomAD 0.00001 and 0.00002; ExAC 0.00001; gnomAD exomes below 0.00001.
gnomAD v4.1: 2 of 1,614,056 alleles (0.00012%); highest among the groups gnomAD compares: African/African-American, 0.0027%; no homozygotes.

Submission:

Labcorp Genetics (formerly Invitae), Labcorp
Classification: Uncertain significance for Charcot-Marie-Tooth disease type 2. Last evaluated: 2024-02-23. Review status: criteria provided, single submitter. Criteria: Invitae Variant Classification Sherloc (09022015). Collection method: clinical testing. Allele origin: germline.
Comment: This sequence change replaces leucine, which is neutral and non-polar, with valine, which is neutral and non-polar, at codon 478 of the AARS protein (p.Leu478Val). This variant is present in population databases (rs767099595, gnomAD 0.008%). This variant has not been reported in the literature in individuals affected with AARS-related conditions. ClinVar contains an entry for this variant (Variation ID: 1682226). An algorithm developed to predict the effect of missense changes on protein structure and function (PolyPhen-2) suggests that this variant is likely to be tolerated. In summary, the available evidence is currently insufficient to determine the role of this variant in disease. Therefore, it has been classified as a Variant of Uncertain Significance.

NM_001605.3(AARS1):c.1432C>G (p.Leu478Val)

Gene: AARS1 (alanyl-tRNA synthetase 1; minus strand). Cytogenetic location: 16q22.1.
Variant type: single nucleotide variant.
Coding change: c.1432C>G on transcript NM_001605.3 (MANE Select); coding-DNA position 1432, C replaced by G.
Protein change: p.Leu478Val; replaces leucine 478 with valine.
Molecular consequence: missense variant.
Genome position (GRCh38, 1-based): chr16:70,265,018, G>C on the plus strand (C>G on the coding strand, the complement: AARS1 is on the minus strand). VCF-style: chr16-70265018-G-C. GRCh37 (hg19) VCF-style: chr16-70298921-G-C.
Other names: short protein forms L478V.
Identifiers: ClinVar variation 1682226 (VCV001682226.8), dbSNP rs767099595, ClinGen allele CA8140815.